The following is an entry in ClinVar:

NM_000548.5(TSC2):c.4033A>G (p.Lys1345Glu)

Gene: TSC2 (TSC complex subunit 2; plus strand). Cytogenetic location: 16p13.3.
Variant type: single nucleotide variant.
Coding change: c.4033A>G on transcript NM_000548.5 (MANE Select); coding-DNA position 4033, A replaced by G.
Protein change: p.Lys1345Glu; replaces lysine 1345 with glutamic acid.
Molecular consequence: missense variant.
Genome position (GRCh38, 1-based): chr16:2,084,255, A>G. VCF-style: chr16-2084255-A-G. GRCh37 (hg19) VCF-style: chr16-2134256-A-G.
Other names: c.2620A>G, p.Lys874Glu (NM_001406689.1); c.2560A>G, p.Lys854Glu (NM_001406690.1); c.2557A>G, p.Lys853Glu (NM_001406691.1); c.2491A>G, p.Lys831Glu (NM_001406692.1, NM_001406693.1, NM_001406694.1); c.2488A>G, p.Lys830Glu (NM_001406695.1, NM_001406696.1, NM_001406697.1); c.2230A>G, p.Lys744Glu (NM_001406698.1); c.3904A>G, p.Lys1302Glu (NM_021055.3, NM_001370405.1); c.3823A>G, p.Lys1275Glu (NM_001406671.1); and 26 more; short protein forms K1078E, K1101E, K1122E, K1241E, K1272E, K1274E, K1275E, K1278E.
Identifiers: ClinVar variation 2064694 (VCV002064694.5), dbSNP rs2151521044, ClinGen allele CA394299259.

ClinVar aggregate classification (germline): Uncertain significance. Review status: criteria provided, multiple submitters, no conflicts (2 of 4 stars). 2 submissions from 2 submitters: Uncertain significance (2). Last evaluated 2026-07-30.

Conditions:
Tuberous sclerosis 2 (TSC2). Identifiers: Orphanet 805, MedGen C1860707, MONDO:0013199, OMIM 613254.
Hereditary cancer-predisposing syndrome. Also called: Tumor predisposition; Hereditary Cancer Syndrome; Hereditary neoplastic syndrome; Neoplastic Syndromes, Hereditary. Identifiers: Orphanet 140162, MedGen C0027672, MeSH D009386, MONDO:0015356.

Submissions (2):

Ambry Genetics
Classification: Uncertain significance for Hereditary cancer-predisposing syndrome. Last evaluated: 2026-07-30. Review status: criteria provided, single submitter. Criteria: Ambry Variant Classification Scheme 2023. Collection method: clinical testing. Allele origin: germline.
Comment: The p.K1345E variant (also known as c.4033A>G), located in coding exon 33 of the TSC2 gene, results from an A to G substitution at nucleotide position 4033. The lysine at codon 1345 is replaced by glutamic acid, an amino acid with similar properties. This amino acid position is conserved. In addition, the in silico prediction for this alteration is inconclusive. Based on the available evidence, the clinical significance of this variant remains unclear.

Labcorp Genetics (formerly Invitae), Labcorp
Classification: Uncertain significance for Tuberous sclerosis 2. Last evaluated: 2022-05-05. Review status: criteria provided, single submitter. Criteria: Invitae Variant Classification Sherloc (09022015). Collection method: clinical testing. Allele origin: germline.
Comment: In summary, the available evidence is currently insufficient to determine the role of this variant in disease. Therefore, it has been classified as a Variant of Uncertain Significance. Advanced modeling of protein sequence and biophysical properties (such as structural, functional, and spatial information, amino acid conservation, physicochemical variation, residue mobility, and thermodynamic stability) performed at Invitae indicates that this missense variant is not expected to disrupt TSC2 protein function. This variant has not been reported in the literature in individuals affected with TSC2-related conditions. This variant is not present in population databases (gnomAD no frequency). This sequence change replaces lysine, which is basic and polar, with glutamic acid, which is acidic and polar, at codon 1345 of the TSC2 protein (p.Lys1345Glu).